The following is an entry in ClinVar:

ClinVar aggregate classification (germline): Uncertain significance (1 of 4 stars; one submission).

Allele frequency attached by ClinVar (database versions not stated): ExAC 0.00001; gnomAD 0.00001.
gnomAD v4.1: 9 of 1,613,750 alleles (0.00056%); highest among the groups gnomAD compares: Middle Eastern, 0.016%; no homozygotes.

Submission:

Labcorp Genetics (formerly Invitae), Labcorp
Classification: Uncertain significance. Last evaluated: 2024-04-25. Review status: criteria provided, single submitter. Criteria: Invitae Variant Classification Sherloc (09022015). Collection method: clinical testing. Allele origin: germline.
Comment: This sequence change replaces arginine, which is basic and polar, with glutamine, which is neutral and polar, at codon 85 of the ROM1 protein (p.Arg85Gln). This variant is present in population databases (rs765535820, gnomAD 0.004%). This variant has not been reported in the literature in individuals affected with ROM1-related conditions. ClinVar contains an entry for this variant (Variation ID: 1986882). Advanced modeling of protein sequence and biophysical properties (such as structural, functional, and spatial information, amino acid conservation, physicochemical variation, residue mobility, and thermodynamic stability) performed at Invitae indicates that this missense variant is not expected to disrupt ROM1 protein function with a negative predictive value of 80%. In summary, the available evidence is currently insufficient to determine the role of this variant in disease. Therefore, it has been classified as a Variant of Uncertain Significance.

NM_000327.4(ROM1):c.254G>A (p.Arg85Gln)

Gene: ROM1 (retinal outer segment membrane protein 1; plus strand). Cytogenetic location: 11q12.3.
Variant type: single nucleotide variant.
Coding change: c.254G>A on transcript NM_000327.4 (MANE Select); coding-DNA position 254, G replaced by A.
Protein change: p.Arg85Gln; replaces arginine 85 with glutamine.
Molecular consequence: missense variant.
Genome position (GRCh38, 1-based): chr11:62,613,535, G>A. VCF-style: chr11-62613535-G-A. GRCh37 (hg19) VCF-style: chr11-62381007-G-A.
Other names: short protein forms R85Q.
Identifiers: ClinVar variation 1986882 (VCV001986882.4), dbSNP rs765535820, ClinGen allele CA6049680.
Genomic context (GRCh38, chr11:62,613,535, plus strand): 5'-CTGCCCTGGCAGCGGGCGCGGTGGCTCTGGGCACAGGACTAGTGGGTGTAGGAGCCAGCC[G>A]GGCAAGTCTGAATGCAGCTCTATACCCTCCCTGGCGAGGGGTCCTGGGCCCGCTGCTGGT-3'
Protein context (NP_000318.2, residues 75-95): GTGLVGVGAS[Arg85Gln]ASLNAALYPP